The following is an entry in ClinVar:

ClinVar aggregate classification (germline): Uncertain significance (0 of 4 stars; one submission).

Conditions:
LEP-related disorder. Also called: LEP-related condition.

Submission:

PreventionGenetics, part of Exact Sciences
Classification: Uncertain significance for LEP-related condition. Last evaluated: 2024-09-04. Review status: no assertion criteria provided. Collection method: clinical testing. Allele origin: germline.
Comment: The LEP c.206T>C variant is predicted to result in the amino acid substitution p.Ile69Thr. To our knowledge, this variant has not been reported in the literature. This variant is reported in 0.0023% of alleles in individuals of European (Non-Finnish) descent in gnomAD. At this time, the clinical significance of this variant is uncertain due to the absence of conclusive functional and genetic evidence.

NM_000230.3(LEP):c.206T>C (p.Ile69Thr)

Gene: LEP (leptin; plus strand). Cytogenetic location: 7q32.1.
Variant type: single nucleotide variant.
Coding change: c.206T>C on transcript NM_000230.3 (MANE Select); coding-DNA position 206, T replaced by C.
Protein change: p.Ile69Thr; replaces isoleucine 69 with threonine.
Molecular consequence: missense variant.
Genome position (GRCh38, 1-based): chr7:128,254,465, T>C. VCF-style: chr7-128254465-T-C. GRCh37 (hg19) VCF-style: chr7-127894518-T-C.
Other names: short protein forms I69T.
Identifiers: ClinVar variation 3350783 (VCV003350783.1).